The following is an entry in ClinVar:

NM_000222.3(KIT):c.287C>A (p.Thr96Lys)

Gene: KIT (KIT proto-oncogene, receptor tyrosine kinase; plus strand). Cytogenetic location: 4q12.
Variant type: single nucleotide variant.
Coding change: c.287C>A on transcript NM_000222.3 (MANE Select); coding-DNA position 287, C replaced by A.
Protein change: p.Thr96Lys; replaces threonine 96 with lysine.
Molecular consequence: missense variant.
Genome position (GRCh38, 1-based): chr4:54,695,731, C>A. VCF-style: chr4-54695731-C-A. GRCh37 (hg19) VCF-style: chr4-55561897-C-A.
Other names: c.287C>A, p.Thr96Lys (NM_001093772.2, NM_001385284.1, NM_001385285.1 and 4 more transcripts); short protein forms T96K.
Identifiers: ClinVar variation 1015824 (VCV001015824.9), dbSNP rs1060502564, ClinGen allele CA356897249.

ClinVar aggregate classification (germline): Uncertain significance (1 of 4 stars; one submission).

Conditions:
Gastrointestinal stromal tumor. Also called: Gastrointestinal stromal tumor, somatic; Gastrointestinal stroma tumor. Identifiers: Orphanet 44890, MedGen C0238198, MeSH D046152, MONDO:0011719, OMIM 606764, HP:0100723.

Submission:

Labcorp Genetics (formerly Invitae), Labcorp
Classification: Uncertain significance for Gastrointestinal stromal tumor. Last evaluated: 2020-08-30. Review status: criteria provided, single submitter. Criteria: Invitae Variant Classification Sherloc (09022015). Collection method: clinical testing. Allele origin: germline.
Comment: Algorithms developed to predict the effect of missense changes on protein structure and function are either unavailable or do not agree on the potential impact of this missense change (SIFT: "Tolerated"; PolyPhen-2: "Probably Damaging"; Align-GVGD: "Class C0"). This variant has not been reported in the literature in individuals with KIT-related conditions. This variant is not present in population databases (ExAC no frequency). This sequence change replaces threonine with lysine at codon 96 of the KIT protein (p.Thr96Lys). The threonine residue is moderately conserved and there is a moderate physicochemical difference between threonine and lysine. In summary, the available evidence is currently insufficient to determine the role of this variant in disease. Therefore, it has been classified as a Variant of Uncertain Significance.